The following is an entry in ClinVar:

ClinVar aggregate classification (germline): Uncertain significance (1 of 4 stars; one submission).

Conditions:
Charcot-Marie-Tooth disease type 4. Also called: Charcot-Marie-Tooth disease, type IV; Charcot-Marie-Tooth, Type 4. Identifiers: Orphanet 64749, MedGen C4082197, MONDO:0018995.

Allele frequency attached by ClinVar (database versions not stated): gnomAD exomes below 0.00001.
gnomAD v4.1: 2 of 1,548,670 alleles (0.00013%); highest among the groups gnomAD compares: Non-Finnish European, 0.00018%; no homozygotes.

Submission:

Labcorp Genetics (formerly Invitae), Labcorp
Classification: Uncertain significance for Charcot-Marie-Tooth disease type 4. Last evaluated: 2021-12-02. Review status: criteria provided, single submitter. Criteria: Invitae Variant Classification Sherloc (09022015). Collection method: clinical testing. Allele origin: germline.
Comment: This sequence change falls in intron 21 of the FIG4 gene. It does not directly change the encoded amino acid sequence of the FIG4 protein. This variant is present in population databases (no rsID available, gnomAD 0.0009%). This variant has not been reported in the literature in individuals affected with FIG4-related conditions. Algorithms developed to predict the effect of sequence changes on RNA splicing suggest that this variant may create or strengthen a splice site. In summary, the available evidence is currently insufficient to determine the role of this variant in disease. Therefore, it has been classified as a Variant of Uncertain Significance.

NM_014845.6(FIG4):c.2460-12T>A

Gene: FIG4 (FIG4 phosphoinositide 5-phosphatase; plus strand). Cytogenetic location: 6q21.
Variant type: single nucleotide variant.
Coding change: c.2460-12T>A on transcript NM_014845.6 (MANE Select); 12 bases into the intron before coding-DNA position 2460, T replaced by A.
Molecular consequence: intron variant.
Genome position (GRCh38, 1-based): chr6:109,796,753, T>A. VCF-style: chr6-109796753-T-A. GRCh37 (hg19) VCF-style: chr6-110117956-T-A.
Identifiers: ClinVar variation 1438887 (VCV001438887.5), dbSNP rs1264436643, ClinGen allele CA569588683.
Genomic context (GRCh38, chr6:109,796,753, plus strand): 5'-TTTTGTGTGATCTACTGAATTAATTGCAAGTACTCCCTTCTTTAGCTGACTCTTATCCAT[T>A]GTAATTTGTAGATTTGTTCAGCTGGGGCAGAGTCAACATAAACAAGACAAGAATAGCCAG-3'